The following is an entry in ClinVar:

NM_002662.5(PLD1):c.2864T>C (p.Leu955Pro)

Gene: PLD1 (phospholipase D1; minus strand). Cytogenetic location: 3q26.31.
Variant type: single nucleotide variant.
Coding change: c.2864T>C on transcript NM_002662.5 (MANE Select); coding-DNA position 2864, T replaced by C.
Protein change: p.Leu955Pro; replaces leucine 955 with proline.
Molecular consequence: missense variant.
Genome position (GRCh38, 1-based): chr3:171,612,297, A>G on the plus strand (T>C on the coding strand, the complement: PLD1 is on the minus strand). VCF-style: chr3-171612297-A-G. GRCh37 (hg19) VCF-style: chr3-171330087-A-G.
Other names: c.2750T>C, p.Leu917Pro (NM_001130081.3); c.2864T>C (NM_002662.4); short protein forms L955P, L917P.
Identifiers: ClinVar variation 1399260 (VCV001399260.7), dbSNP rs376692638, ClinGen allele CA2704103.

ClinVar aggregate classification (germline): Uncertain significance. Review status: criteria provided, multiple submitters, no conflicts (2 of 4 stars). 2 submissions from 2 submitters: Uncertain significance (2). Last evaluated 2025-04-12.

Conditions:
Inborn genetic diseases. Identifiers: MedGen C0950123, MeSH D030342.

Allele frequency attached by ClinVar (database versions not stated): ExAC 0.00002; gnomAD exomes 0.00002; TOPMed 0.00003; ESP Exome Variant Server 0.00008.
gnomAD v4.1: 29 of 1,614,150 alleles (0.0018%); highest among the groups gnomAD compares: Non-Finnish European, 0.0023%; no homozygotes.

Submissions (2):

Ambry Genetics
Classification: Uncertain significance for Inborn genetic diseases. Last evaluated: 2025-04-12. Review status: criteria provided, single submitter. Criteria: Ambry Variant Classification Scheme 2023. Collection method: clinical testing. Allele origin: germline.

Labcorp Genetics (formerly Invitae), Labcorp
Classification: Uncertain significance. Last evaluated: 2022-11-07. Review status: criteria provided, single submitter. Criteria: Invitae Variant Classification Sherloc (09022015). Collection method: clinical testing. Allele origin: germline.
Comment: In summary, the available evidence is currently insufficient to determine the role of this variant in disease. Therefore, it has been classified as a Variant of Uncertain Significance. Advanced modeling of protein sequence and biophysical properties (such as structural, functional, and spatial information, amino acid conservation, physicochemical variation, residue mobility, and thermodynamic stability) performed at Invitae indicates that this missense variant is expected to disrupt PLD1 protein function. ClinVar contains an entry for this variant (Variation ID: 1399260). This missense change has been observed in individual(s) with congenital valve defects (Invitae). In at least one individual the data is consistent with being in trans (on the opposite chromosome) from a pathogenic variant. This variant is present in population databases (rs376692638, gnomAD 0.004%). This sequence change replaces leucine, which is neutral and non-polar, with proline, which is neutral and non-polar, at codon 955 of the PLD1 protein (p.Leu955Pro).